The following is an entry in ClinVar:

ClinVar aggregate classification (germline): Uncertain significance (1 of 4 stars; one submission).

Allele frequency attached by ClinVar (database versions not stated): TOPMed 0.00002.
gnomAD v4.1: 22 of 1,613,760 alleles (0.0014%); highest among the groups gnomAD compares: Non-Finnish European, 0.0019%; no homozygotes.

Submission:

GeneDx
Classification: Uncertain significance. Last evaluated: 2023-02-09. Review status: criteria provided, single submitter. Criteria: GeneDx Variant Classification Process June 2021. Collection method: clinical testing. Allele origin: germline. Affected: yes.
Comment: In silico analysis supports that this missense variant has a deleterious effect on protein structure/function; Has not been previously published as pathogenic or benign to our knowledge

NM_002224.4(ITPR3):c.3674T>G (p.Leu1225Arg)

Gene: ITPR3 (inositol 1,4,5-trisphosphate receptor type 3; plus strand). Cytogenetic location: 6p21.31.
Variant type: single nucleotide variant.
Coding change: c.3674T>G on transcript NM_002224.4 (MANE Select); coding-DNA position 3674, T replaced by G.
Protein change: p.Leu1225Arg; replaces leucine 1225 with arginine.
Molecular consequence: missense variant.
Genome position (GRCh38, 1-based): chr6:33,678,446, T>G. VCF-style: chr6-33678446-T-G. GRCh37 (hg19) VCF-style: chr6-33646223-T-G.
Other names: short protein forms L1225R.
Identifiers: ClinVar variation 2575780 (VCV002575780.1), dbSNP rs937655006, ClinGen allele CA137141644.
Genomic context (GRCh38, chr6:33,678,446, plus strand): 5'-GGGCCCAGCACCCTCTCCCTGACTCCTGTGTCCAGGGTGATGCCAAGATGATGGAGATCC[T>G]GCGCTACACGCACCAGTTCCTGCAGAAGTTCTGTGCAGGGAACCCCGGCAACCAGGCCCT-3'
Protein context (NP_002215.2, residues 1215-1235): DKGDAKMMEI[Leu1225Arg]RYTHQFLQKF